The following is an entry in ClinVar:

NM_000059.4(BRCA2):c.5425T>G (p.Cys1809Gly)

Gene: BRCA2 (BRCA2 DNA repair associated; plus strand). Cytogenetic location: 13q13.1.
Variant type: single nucleotide variant.
Coding change: c.5425T>G on transcript NM_000059.4 (MANE Select); coding-DNA position 5425, T replaced by G.
Protein change: p.Cys1809Gly; replaces cysteine 1809 with glycine.
Molecular consequence: missense variant.
Genome position (GRCh38, 1-based): chr13:32,339,780, T>G. VCF-style: chr13-32339780-T-G. GRCh37 (hg19) VCF-style: chr13-32913917-T-G.
Other names: short protein forms C1809G.
Identifiers: ClinVar variation 924464 (VCV000924464.6), dbSNP rs2072529086, ClinGen allele CA387785444.

ClinVar aggregate classification (germline): Conflicting classifications of pathogenicity. Review status: criteria provided, conflicting classifications (1 of 4 stars). 2 submissions from 2 submitters: Uncertain significance (1); Likely benign (1). Last evaluated 2023-12-04.

Conditions:
Hereditary cancer-predisposing syndrome. Also called: Neoplastic Syndromes, Hereditary; Tumor predisposition; Hereditary Cancer Syndrome; Hereditary neoplastic syndrome. Identifiers: Orphanet 140162, MedGen C0027672, MeSH D009386, MONDO:0015356.

Submissions (2):

Color Diagnostics, LLC DBA Color Health
Classification: Uncertain significance for Hereditary cancer-predisposing syndrome. Last evaluated: 2023-12-04. Review status: criteria provided, single submitter. Criteria: ACMG Guidelines, 2015. Collection method: clinical testing. Allele origin: germline.
Comment: This missense variant replaces cysteine with glycine at codon 1809 of the BRCA2 protein. Computational prediction suggests that this variant may not impact protein structure and function (internally defined REVEL score threshold <= 0.5, PMID: 27666373). To our knowledge, functional studies have not been reported for this variant. This variant has not been reported in individuals affected with BRCA2-related disorders in the literature. This variant has not been identified in the general population by the Genome Aggregation Database (gnomAD). The available evidence is insufficient to determine the role of this variant in disease conclusively. Therefore, this variant is classified as a Variant of Uncertain Significance.

University of Washington Department of Laboratory Medicine, University of Washington
Classification: Likely benign for Hereditary cancer-predisposing syndrome. Last evaluated: 2023-03-23. Review status: criteria provided, single submitter. Criteria: Dines et al. (Genet Med. 2020). Collection method: curation. Allele origin: germline.
Comment: Missense variant in a coldspot region where missense variants are very unlikely to be pathogenic (PMID:31911673).

BRCA2 exon 11 coldspot. Reclassification based on statistical prior probability.